The following is an entry in ClinVar:

NM_007325.5(GRIA3):c.1891C>T (p.Arg631Cys)

Gene: GRIA3 (glutamate ionotropic receptor AMPA type subunit 3; plus strand). Cytogenetic location: Xq25.
Variant type: single nucleotide variant.
Coding change: c.1891C>T on transcript NM_007325.5 (MANE Select); coding-DNA position 1891, C replaced by T.
Protein change: p.Arg631Cys; replaces arginine 631 with cysteine.
Molecular consequence: missense variant.
Genome position (GRCh38, 1-based): chrX:123,427,954, C>T. VCF-style: chrX-123427954-C-T. GRCh37 (hg19) VCF-style: chrX-122561805-C-T.
Other names: c.1891C>T, p.Arg631Cys (NM_000828.5); short protein forms R631C.
Identifiers: ClinVar variation 2783296 (VCV002783296.3), dbSNP rs137852351, ClinGen allele CA414259543.
Genomic context (GRCh38, chrX:123,427,954, plus strand): 5'-AGATCTGGCCCCTCTGGGTCTGGATTTGTTTTTGTTTTGTTTTATAGATCACTCTCCGGG[C>T]GCATTGTTGGAGGGGTTTGGTGGTTCTTCACCCTGATCATAATTTCTTCCTATACTGCCA-3'
Protein context (NP_015564.5, residues 621-641): CDISPRSLSG[Arg631Cys]IVGGVWWFFT

ClinVar aggregate classification (germline): Uncertain significance (1 of 4 stars; one submission).

Allele frequency attached by ClinVar (database versions not stated): gnomAD exomes below 0.00001.
gnomAD v4.1: 1 of 1,197,665 alleles (0.000083%); highest among the groups gnomAD compares: East Asian, 0.003%; no homozygotes.

Submission:

Labcorp Genetics (formerly Invitae), Labcorp
Classification: Uncertain significance. Last evaluated: 2022-11-16. Review status: criteria provided, single submitter. Criteria: Invitae Variant Classification Sherloc (09022015). Collection method: clinical testing. Allele origin: germline.
Comment: This variant disrupts the p.Arg631 amino acid residue in GRIA3. Other variant(s) that disrupt this residue have been determined to be pathogenic (PMID: 17989220). This suggests that this residue is clinically significant, and that variants that disrupt this residue are likely to be disease-causing. In summary, the available evidence is currently insufficient to determine the role of this variant in disease. Therefore, it has been classified as a Variant of Uncertain Significance. Advanced modeling of protein sequence and biophysical properties (such as structural, functional, and spatial information, amino acid conservation, physicochemical variation, residue mobility, and thermodynamic stability) performed at Invitae indicates that this missense variant is expected to disrupt GRIA3 protein function. This variant has not been reported in the literature in individuals affected with GRIA3-related conditions. This variant is not present in population databases (gnomAD no frequency). This sequence change replaces arginine, which is basic and polar, with cysteine, which is neutral and slightly polar, at codon 631 of the GRIA3 protein (p.Arg631Cys).

Literature cited by the submitters: PubMed 17989220.